The following is an entry in ClinVar:

ClinVar aggregate classification (germline): Uncertain significance (1 of 4 stars; one submission).

Conditions:
Cardiovascular phenotype. Identifiers: MedGen CN230736.

gnomAD v4.1: 3 of 1,614,188 alleles (0.00019%); highest among the groups gnomAD compares: Non-Finnish European, 0.00025%; no homozygotes.

Submission:

Ambry Genetics
Classification: Uncertain significance for Cardiovascular phenotype. Last evaluated: 2025-05-30. Review status: criteria provided, single submitter. Criteria: Ambry Variant Classification Scheme 2023. Collection method: clinical testing. Allele origin: germline.
Comment: The p.T1754R variant (also known as c.5261C>G), located in coding exon 26 of the APOB gene, results from a C to G substitution at nucleotide position 5261. The threonine at codon 1754 is replaced by arginine, an amino acid with similar properties. This amino acid position is conserved. In addition, this alteration is predicted to be tolerated by in silico analysis. Based on the available evidence, the clinical significance of this variant remains unclear.

NM_000384.3(APOB):c.5261C>G (p.Thr1754Arg)

Gene: APOB (apolipoprotein B; minus strand). Cytogenetic location: 2p24.1.
Variant type: single nucleotide variant.
Coding change: c.5261C>G on transcript NM_000384.3 (MANE Select); coding-DNA position 5261, C replaced by G.
Protein change: p.Thr1754Arg; replaces threonine 1754 with arginine.
Molecular consequence: missense variant.
Genome position (GRCh38, 1-based): chr2:21,011,607, G>C on the plus strand (C>G on the coding strand, the complement: APOB is on the minus strand). VCF-style: chr2-21011607-G-C. GRCh37 (hg19) VCF-style: chr2-21234479-G-C.
Other names: short protein forms T1754R.
Identifiers: ClinVar variation 3933291 (VCV003933291.1).
Genomic context (GRCh38, chr2:21,011,607, plus strand): 5'-TAAATGTTGTCAAGTTTTGAAGAGAAGTCCAGTGATAAGCCTGCAATGTTCAGACTGTTT[G>C]TGTGGTCAAATTTCATTTCAGCATATGAGCCCATCATGTCATTTGAGAGCTTAAGTCCTT-3'
Protein context (NP_000375.3, residues 1744-1764): GSYAEMKFDH[Thr1754Arg]NSLNIAGLSL